The following is an entry in ClinVar:

NM_001079802.2(FKTN):c.497T>C (p.Leu166Pro)

Gene: FKTN (fukutin; plus strand). Cytogenetic location: 9q31.2.
Variant type: single nucleotide variant.
Coding change: c.497T>C on transcript NM_001079802.2 (MANE Select); coding-DNA position 497, T replaced by C.
Protein change: p.Leu166Pro; replaces leucine 166 with proline.
Molecular consequence: missense variant. On other transcripts: non-coding transcript variant (2).
Genome position (GRCh38, 1-based): chr9:105,604,342, T>C. VCF-style: chr9-105604342-T-C. GRCh37 (hg19) VCF-style: chr9-108366623-T-C.
Other names: c.497T>C, p.Leu166Pro (NM_001198963.2, NM_001351496.2, NM_001351498.2 and 1 more transcripts); c.428T>C, p.Leu143Pro (NM_001351497.2); c.101T>C, p.Leu34Pro (NM_001351499.2, NM_001351500.2, NM_001351501.2 and 1 more transcripts); short protein forms L143P, L166P, L34P.
Identifiers: ClinVar variation 3336481 (VCV003336481.1).

ClinVar aggregate classification (germline): Uncertain significance (1 of 4 stars; one submission).

Submission:

Women's Health and Genetics/Laboratory Corporation of America, LabCorp
Classification: Uncertain significance. Last evaluated: 2024-05-21. Review status: criteria provided, single submitter. Criteria: LabCorp Variant Classification Summary - May 2015. Collection method: clinical testing. Allele origin: germline.
Comment: Variant summary: FKTN c.497T>C (p.Leu166Pro) results in a non-conservative amino acid change located in the Ribitol-5-phosphate transferase FKTN, N-terminal domain (IPR045587) of the encoded protein sequence. Three of three in-silico tools predict a damaging effect of the variant on protein function. The variant was absent in 251348 control chromosomes (gnomAD). The available data on variant occurrences in the general population are insufficient to allow any conclusion about variant significance. c.497T>C has been reported in the literature in at least one individual affected with limb girdle muscular dystrophy (Song_2021). The report does not provide unequivocal conclusions about association of the variant with Cardiomyopathy. To our knowledge, no experimental evidence demonstrating an impact on protein function has been reported. The following publication have been ascertained in the context of this evaluation (PMID: 33200426). No submitters have cited clinical-significance assessments for this variant to ClinVar. Based on the evidence outlined above, the variant was classified as uncertain significance.

Literature cited by the submitters: PubMed 33200426.